The following is an entry in ClinVar:

ClinVar aggregate classification (germline): Uncertain significance (1 of 4 stars; one submission).

Conditions:
Hereditary cancer-predisposing syndrome. Also called: Neoplastic Syndromes, Hereditary; Tumor predisposition; Hereditary neoplastic syndrome; Hereditary Cancer Syndrome. Identifiers: Orphanet 140162, MedGen C0027672, MeSH D009386, MONDO:0015356.

Submission:

Ambry Genetics
Classification: Uncertain significance for Hereditary cancer-predisposing syndrome. Last evaluated: 2023-09-20. Review status: criteria provided, single submitter. Criteria: Ambry Variant Classification Scheme 2023. Collection method: clinical testing. Allele origin: germline.
Comment: The p.H340P variant (also known as c.1019A>C), located in coding exon 9 of the POT1 gene, results from an A to C substitution at nucleotide position 1019. The histidine at codon 340 is replaced by proline, an amino acid with similar properties. This amino acid position is conserved. In addition, the in silico prediction for this alteration is inconclusive. Since supporting evidence is limited at this time, the clinical significance of this alteration remains unclear.

NM_015450.3(POT1):c.1019A>C (p.His340Pro)

Gene: POT1 (protection of telomeres 1; minus strand). Cytogenetic location: 7q31.33.
Variant type: single nucleotide variant.
Coding change: c.1019A>C on transcript NM_015450.3 (MANE Select); coding-DNA position 1019, A replaced by C.
Protein change: p.His340Pro; replaces histidine 340 with proline.
Molecular consequence: missense variant. On other transcripts: non-coding transcript variant (3).
Genome position (GRCh38, 1-based): chr7:124,842,951, T>G on the plus strand (A>C on the coding strand, the complement: POT1 is on the minus strand). VCF-style: chr7-124842951-T-G. GRCh37 (hg19) VCF-style: chr7-124483005-T-G.
Other names: c.626A>C, p.His209Pro (NM_001042594.2); short protein forms H209P, H340P.
Identifiers: ClinVar variation 3226647 (VCV003226647.1), dbSNP rs2485402759, ClinGen allele CA369068621.